The following is an entry in ClinVar:

ClinVar aggregate classification (germline): Conflicting classifications of pathogenicity. Review status: criteria provided, conflicting classifications (1 of 4 stars). 4 submissions from 4 submitters: Uncertain significance (1); Likely benign (2). 1 of the submissions does not count toward it. Last evaluated 2025-11-18.

Conditions:
DNAJB6-related disorder. Also called: DNAJB6-related condition.
Autosomal dominant limb-girdle muscular dystrophy type 1D (DNAJB6) (LGMDD1). Also called: MUSCULAR DYSTROPHY, LIMB-GIRDLE, TYPE 1D; MUSCULAR DYSTROPHY, AUTOSOMAL DOMINANT, WITH RIMMED VACUOLES; Autosomal dominant limb-girdle muscular dystrophy type 1D; Muscular dystrophy, limb-girdle, autosomal dominant 1. Identifiers: Orphanet 34516, MedGen C4721885, MONDO:0021018, OMIM 603511.

Allele frequency attached by ClinVar (database versions not stated): 1000 Genomes Project 0.00020; 1000 Genomes Project 30x 0.00031; gnomAD 0.00038; TOPMed 0.00049; ESP Exome Variant Server 0.00069.
gnomAD v4.1: 173 of 1,613,108 alleles (0.011%); highest among the groups gnomAD compares: African/African-American, 0.19%; 2 homozygotes.

Submissions (4):

Labcorp Genetics (formerly Invitae), Labcorp
Classification: Likely benign for Autosomal dominant limb-girdle muscular dystrophy type 1D (DNAJB6). Last evaluated: 2025-11-18. Review status: criteria provided, single submitter. Criteria: Invitae Variant Classification Sherloc (09022015). Collection method: clinical testing. Allele origin: germline.

Eurofins Ntd Llc (ga)
Classification: Uncertain significance. Last evaluated: 2018-01-12. Review status: criteria provided, single submitter. Criteria: EGL Classification Definitions 2015. Collection method: clinical testing. Allele origin: germline. Observed: 8 variant alleles, 8 heterozygotes.

GeneDx
Classification: Likely benign. Last evaluated: 2017-10-27. Review status: criteria provided, single submitter. Criteria: GeneDx Variant Classification (06012015). Collection method: clinical testing. Allele origin: germline. Affected: yes.
Comment: This variant is considered likely benign or benign based on one or more of the following criteria: it is a conservative change, it occurs at a poorly conserved position in the protein, it is predicted to be benign by multiple in silico algorithms, and/or has population frequency not consistent with disease.

PreventionGenetics, part of Exact Sciences
Classification: Likely benign for DNAJB6-related condition. Last evaluated: 2019-09-17. Review status: no assertion criteria provided. Collection method: clinical testing. Allele origin: germline. Not counted in ClinVar's aggregate classification.
Comment: This variant is classified as likely benign based on ACMG/AMP sequence variant interpretation guidelines (Richards et al. 2015 PMID: 25741868, with internal and published modifications).

NM_058246.4(DNAJB6):c.48C>T (p.Pro16=)

Gene: DNAJB6 (DnaJ heat shock protein family (Hsp40) member B6; plus strand). Cytogenetic location: 7q36.3.
Variant type: single nucleotide variant.
Coding change: c.48C>T on transcript NM_058246.4 (MANE Select); coding-DNA position 48, C replaced by T.
Protein change: p.Pro16=; no amino-acid change (proline 16 retained).
Molecular consequence: synonymous variant.
Genome position (GRCh38, 1-based): chr7:157,358,620, C>T. VCF-style: chr7-157358620-C-T. GRCh37 (hg19) VCF-style: chr7-157151314-C-T.
Other names: c.48C>T, p.Pro16= (NM_001363676.1, NM_005494.3).
Identifiers: ClinVar variation 282322 (VCV000282322.16), dbSNP rs150583876, ClinGen allele CA4590322.